The following is an entry in ClinVar:

ClinVar aggregate classification (germline): Likely pathogenic (1 of 4 stars; one submission).

Conditions:
Farber lipogranulomatosis (FRBRL). Also called: AC DEFICIENCY; ACID CERAMIDASE DEFICIENCY; CERAMIDASE DEFICIENCY; N-LAURYLSPHINGOSINE DEACYLASE DEFICIENCY; Farber's lipogranulomatosis; Farber's disease. Identifiers: Orphanet 333, MedGen C0268255, MONDO:0009218, OMIM 228000.

Submission:

Medical Affairs, Dicerna Pharmaceuticals
Classification: Likely pathogenic for Farber lipogranulomatosis. Last evaluated: 2019-06-19. Review status: criteria provided, single submitter. Criteria: ACMG Guidelines, 2015. Collection method: literature only. Allele origin: inherited. Inheritance: Autosomal recessive inheritance. Affected: yes. Observed: 1 variant allele.
Comment: Variant c.770T>C has been designated as a variant of uncertain significance. Fibroblast cultures showed highly elevated levels of undegraded ceramide compared with normal controls.

Genetic analysis of the ASAH1 gene revealed a homozygous mutation in exon 10 L257P (c.770T>C).

NM_177924.5(ASAH1):c.770T>C (p.Leu257Pro)

Gene: ASAH1 (N-acylsphingosine amidohydrolase 1; minus strand). Cytogenetic location: 8p22.
Variant type: single nucleotide variant.
Coding change: c.770T>C on transcript NM_177924.5 (MANE Select); coding-DNA position 770, T replaced by C.
Protein change: p.Leu257Pro; replaces leucine 257 with proline.
Molecular consequence: missense variant.
Genome position (GRCh38, 1-based): chr8:18,061,392, A>G on the plus strand (T>C on the coding strand, the complement: ASAH1 is on the minus strand). VCF-style: chr8-18061392-A-G. GRCh37 (hg19) VCF-style: chr8-17918901-A-G.
Other names: c.752T>C, p.Leu251Pro (NM_001127505.3); c.575T>C, p.Leu192Pro (NM_001363743.2); c.818T>C, p.Leu273Pro (NM_004315.6); short protein forms L273P, L192P, L251P, L257P.
Identifiers: ClinVar variation 812492 (VCV000812492.1), dbSNP rs1588977010, ClinGen allele CA370429284.
Genomic context (GRCh38, chr8:18,061,392, plus strand): 5'-TAATTTAAAATAAATATTTAATAGTAAAGCAACGAAACACTTTACCTTGTGCTATTTTCC[A>G]GAACTGTTCTAGTGAGGAACCCTATCCACATGACATCTTTCTTTCCCAGAATCCATTCTA-3'
Protein context (NP_808592.2, residues 247-267): MWIGFLTRTV[Leu257Pro]ENSTSYEEAK